The following is an entry in ClinVar:

ClinVar aggregate classification (germline): Pathogenic (1 of 4 stars; one submission).

Conditions:
Familial adenomatous polyposis 1 (FAP1). Also called: FAMILIAL ADENOMATOUS POLYPOSIS 1, ATTENUATED; POLYPOSIS, ADENOMATOUS INTESTINAL. Identifiers: MedGen C2713442, MONDO:0021056, OMIM 175100. Disease mechanism: loss of function.

Submission:

Labcorp Genetics (formerly Invitae), Labcorp
Classification: Pathogenic for Familial adenomatous polyposis 1. Last evaluated: 2017-10-05. Review status: criteria provided, single submitter. Criteria: Invitae Variant Classification Sherloc (09022015). Collection method: clinical testing. Allele origin: germline.
Comment: This sequence change is an out-of-frame deletion of exon 15 that results in a premature translational stop signal in the last exon of the APC gene (p.Glu582Alafs*20). While this variant may escape nonsense mediate decay, it is expected to delete approximately 80% of the APC protein. This variant has not been reported in the literature in individuals with APC-related disease. Loss-of-function variants in APC are known to be pathogenic. Several truncating variants downstream of this variant have been determined to be pathogenic (PMID: 20223039, 11247896, 1316610). This suggests that deletion of this region of the APC protein is causative of disease. For these reasons, this variant has been classified as Pathogenic.

Literature cited by the submitters: PubMed 1316610; PubMed 20223039; PubMed 11247896.

NC_000005.10:g.(?_112834945)_(112835171_?)del

Gene: APC (APC regulator of Wnt signaling pathway; plus strand). Cytogenetic location: 5q22.2.
Variant type: Deletion.
Identifiers: ClinVar variation 537704 (VCV000537704.1).